The following is an entry in ClinVar:

ClinVar aggregate classification (germline): Pathogenic (1 of 4 stars; one submission).

Conditions:
Jeune thoracic dystrophy. Also called: Jeune syndrome; Infantile thoracic dystrophy; Thoracic pelvic phalangeal dystrophy; Jeune's syndrome; Chondroectodermal dysplasia-like syndrome; Short-rib thoracic dysplasia. Identifiers: Orphanet 474, MedGen C0265275, MONDO:0018770.

Submission:

Labcorp Genetics (formerly Invitae), Labcorp
Classification: Pathogenic for Jeune thoracic dystrophy. Last evaluated: 2023-01-17. Review status: criteria provided, single submitter. Criteria: Invitae Variant Classification Sherloc (09022015). Collection method: clinical testing. Allele origin: germline.
Comment: For these reasons, this variant has been classified as Pathogenic. This variant has not been reported in the literature in individuals affected with DYNC2H1-related conditions. This variant is not present in population databases (gnomAD no frequency). This sequence change creates a premature translational stop signal (p.Leu3928*) in the DYNC2H1 gene. It is expected to result in an absent or disrupted protein product. Loss-of-function variants in DYNC2H1 are known to be pathogenic (PMID: 23339108, 32753734).

Literature cited by the submitters: PubMed 23339108; PubMed 32753734.

NM_001377.3(DYNC2H1):c.11762T>A (p.Leu3921Ter)

Gene: DYNC2H1 (dynein cytoplasmic 2 heavy chain 1; plus strand). Cytogenetic location: 11q22.3.
Variant type: single nucleotide variant.
Coding change: c.11762T>A on transcript NM_001377.3 (MANE Select); coding-DNA position 11762, T replaced by A.
Protein change: p.Leu3921Ter; replaces leucine 3921 with a stop codon.
Molecular consequence: nonsense.
Genome position (GRCh38, 1-based): chr11:103,321,065, T>A. VCF-style: chr11-103321065-T-A. GRCh37 (hg19) VCF-style: chr11-103191794-T-A.
Other names: c.11783T>A, p.Leu3928Ter (NM_001080463.2); short protein forms L3928*, L3921*.
Identifiers: ClinVar variation 2829353 (VCV002829353.3), dbSNP rs2496941904, ClinGen allele CA382268816.